The following is an entry in ClinVar:

ClinVar aggregate classification (germline): Uncertain significance. Review status: criteria provided, multiple submitters, no conflicts (2 of 4 stars). 2 submissions from 2 submitters: Uncertain significance (2). Last evaluated 2025-10-29.

Conditions:
Inborn genetic diseases. Identifiers: MedGen C0950123, MeSH D030342.

Submissions (2):

Ambry Genetics
Classification: Uncertain significance for Inborn genetic diseases. Last evaluated: 2025-10-29. Review status: criteria provided, single submitter. Criteria: Ambry Variant Classification Scheme 2023. Collection method: clinical testing. Allele origin: germline.

Labcorp Genetics (formerly Invitae), Labcorp
Classification: Uncertain significance. Last evaluated: 2023-08-15. Review status: criteria provided, single submitter. Criteria: Invitae Variant Classification Sherloc (09022015). Collection method: clinical testing. Allele origin: germline.
Comment: In summary, the available evidence is currently insufficient to determine the role of this variant in disease. Therefore, it has been classified as a Variant of Uncertain Significance. An algorithm developed to predict the effect of missense changes on protein structure and function (PolyPhen-2) suggests that this variant is likely to be disruptive. This variant has not been reported in the literature in individuals affected with ADAMTS17-related conditions. This variant is present in population databases (no rsID available, gnomAD 0.003%). This sequence change replaces asparagine, which is neutral and polar, with isoleucine, which is neutral and non-polar, at codon 379 of the ADAMTS17 protein (p.Asn379Ile).

NM_139057.4(ADAMTS17):c.1136A>T (p.Asn379Ile)

Gene: ADAMTS17 (ADAM metallopeptidase with thrombospondin type 1 motif 17; minus strand). Cytogenetic location: 15q26.3.
Variant type: single nucleotide variant.
Coding change: c.1136A>T on transcript NM_139057.4 (MANE Select); coding-DNA position 1136, A replaced by T.
Protein change: p.Asn379Ile; replaces asparagine 379 with isoleucine.
Molecular consequence: missense variant.
Genome position (GRCh38, 1-based): chr15:100,199,363, T>A on the plus strand (A>T on the coding strand, the complement: ADAMTS17 is on the minus strand). VCF-style: chr15-100199363-T-A. GRCh37 (hg19) VCF-style: chr15-100739568-T-A.
Other names: c.1136A>T (NM_139057.2); short protein forms N379I.
Identifiers: ClinVar variation 2955195 (VCV002955195.4), dbSNP rs756246492, ClinGen allele CA393937290.